The following is an entry in ClinVar:

NM_130839.5(UBE3A):c.2255T>C (p.Ile752Thr)

Genes: SNHG14 (small nucleolar RNA host gene 14; plus strand), UBE3A (ubiquitin protein ligase E3A; minus strand). Cytogenetic location: 15q11.2.
Variant type: single nucleotide variant.
Coding change: c.2255T>C on transcript NM_130839.5 (MANE Select); coding-DNA position 2255, T replaced by C.
Protein change: p.Ile752Thr; replaces isoleucine 752 with threonine.
Molecular consequence: missense variant. On other transcripts: non-coding transcript variant (1), intron variant (3).
Genome position (GRCh38, 1-based): chr15:25,354,553, A>G on the plus strand (T>C on the coding strand, the complement: UBE3A is on the minus strand). VCF-style: chr15-25354553-A-G. GRCh37 (hg19) VCF-style: chr15-25599700-A-G.
Other names: c.2264T>C, p.Ile755Thr (NM_000462.5); c.2255T>C, p.Ile752Thr (NM_001354505.1, NM_001354538.2); c.2195T>C, p.Ile732Thr (NM_001354506.2, NM_001354507.2, NM_001354508.2 and 14 more transcripts); c.2078T>C, p.Ile693Thr (NM_001354546.2); c.2030T>C, p.Ile677Thr (NM_001354549.2); c.1004T>C, p.Ile335Thr (NM_001354550.2); c.944T>C, p.Ile315Thr (NM_001354551.2); c.2065-127T>C (NM_001354548.2, NM_001354547.2); and 1 more; short protein forms I315T, I335T, I677T, I693T, I732T, I752T, I755T.
Identifiers: ClinVar variation 981393 (VCV000981393.4), dbSNP rs1312971608, ClinGen allele CA391351655.

ClinVar aggregate classification (germline): Conflicting classifications of pathogenicity. Review status: criteria provided, conflicting classifications (1 of 4 stars). 2 submissions from 2 submitters: Uncertain significance (1); Likely benign (1). Last evaluated 2023-11-03.

Conditions:
Angelman syndrome (AS). Also called: HAPPY PUPPET SYNDROME. Identifiers: Orphanet 72, MedGen C0162635, MONDO:0007113, OMIM 105830. Disease mechanism: loss of function. Inheritance: AS is caused by disruption of maternally imprinted UBE3A located within the 15q11.2-q13 Angelman syndrome/Prader-Willi syndrome (AS/PWS) region., imprinting disorder.
Intellectual disability. Also called: intellectual disabilities; Intellectual developmental disorder; Intellectual functioning disability. Identifiers: MedGen C3714756, MeSH D008607, MONDO:0001071, HP:0001249.

Allele frequency attached by ClinVar (database versions not stated): gnomAD exomes below 0.00001; TOPMed below 0.00001; gnomAD 0.00001.

Submissions (2):

Labcorp Genetics (formerly Invitae), Labcorp
Classification: Uncertain significance for Angelman syndrome. Last evaluated: 2023-11-03. Review status: criteria provided, single submitter. Criteria: Invitae Variant Classification Sherloc (09022015). Collection method: clinical testing. Allele origin: germline.
Comment: This sequence change replaces isoleucine, which is neutral and non-polar, with threonine, which is neutral and polar, at codon 732 of the UBE3A protein (p.Ile732Thr). This variant is not present in population databases (gnomAD no frequency). This variant has not been reported in the literature in individuals affected with UBE3A-related conditions. ClinVar contains an entry for this variant (Variation ID: 981393). Advanced modeling of protein sequence and biophysical properties (such as structural, functional, and spatial information, amino acid conservation, physicochemical variation, residue mobility, and thermodynamic stability) performed at Invitae indicates that this missense variant is expected to disrupt UBE3A protein function with a positive predictive value of 95%. In summary, the available evidence is currently insufficient to determine the role of this variant in disease. Therefore, it has been classified as a Variant of Uncertain Significance.

Diagnostic Laboratory, Strasbourg University Hospital
Classification: Likely benign for Intellectual disability. Last evaluated: 2020-09-10. Review status: criteria provided, single submitter. Criteria: ACMG Guidelines, 2015. Collection method: clinical testing. Allele origin: paternal. Affected: yes. Observed: 1 heterozygote.